The following is an entry in ClinVar:

NM_006231.4(POLE):c.2678C>T (p.Pro893Leu)

Gene: POLE (DNA polymerase epsilon, catalytic subunit; minus strand). Cytogenetic location: 12q24.33.
Variant type: single nucleotide variant.
Coding change: c.2678C>T on transcript NM_006231.4 (MANE Select); coding-DNA position 2678, C replaced by T.
Protein change: p.Pro893Leu; replaces proline 893 with leucine.
Molecular consequence: missense variant.
Genome position (GRCh38, 1-based): chr12:132,664,032, G>A on the plus strand (C>T on the coding strand, the complement: POLE is on the minus strand). VCF-style: chr12-132664032-G-A. GRCh37 (hg19) VCF-style: chr12-133240618-G-A.
Other names: c.2678C>T (NM_006231.2); short protein forms P893L.
Identifiers: ClinVar variation 473547 (VCV000473547.10), dbSNP rs1555226423, ClinGen allele CA387395165.

ClinVar aggregate classification (germline): Uncertain significance. Review status: criteria provided, multiple submitters, no conflicts (2 of 4 stars). 2 submissions from 2 submitters: Uncertain significance (2). Last evaluated 2026-04-28.

Conditions:
Hereditary cancer-predisposing syndrome. Also called: Tumor predisposition; Hereditary neoplastic syndrome; Neoplastic Syndromes, Hereditary; Hereditary Cancer Syndrome. Identifiers: Orphanet 140162, MedGen C0027672, MeSH D009386, MONDO:0015356.

Allele frequency attached by ClinVar (database versions not stated): TOPMed 0.00001.

Submissions (2):

Ambry Genetics
Classification: Uncertain significance for Hereditary cancer-predisposing syndrome. Last evaluated: 2026-04-28. Review status: criteria provided, single submitter. Criteria: Ambry Variant Classification Scheme 2023. Collection method: clinical testing. Allele origin: germline.

Labcorp Genetics (formerly Invitae), Labcorp
Classification: Uncertain significance. Last evaluated: 2023-10-03. Review status: criteria provided, single submitter. Criteria: Invitae Variant Classification Sherloc (09022015). Collection method: clinical testing. Allele origin: germline.
Comment: This sequence change replaces proline, which is neutral and non-polar, with leucine, which is neutral and non-polar, at codon 893 of the POLE protein (p.Pro893Leu). This variant is not present in population databases (gnomAD no frequency). This variant has not been reported in the literature in individuals affected with POLE-related conditions. ClinVar contains an entry for this variant (Variation ID: 473547). Advanced modeling of protein sequence and biophysical properties (such as structural, functional, and spatial information, amino acid conservation, physicochemical variation, residue mobility, and thermodynamic stability) performed at Invitae indicates that this missense variant is not expected to disrupt POLE protein function. In summary, the available evidence is currently insufficient to determine the role of this variant in disease. Therefore, it has been classified as a Variant of Uncertain Significance.